The following is an entry in ClinVar:

NM_001080.3(ALDH5A1):c.202C>T (p.Arg68Cys)

Genes: ALDH5A1 (aldehyde dehydrogenase 5 family member A1; plus strand), GPLD1 (glycosylphosphatidylinositol specific phospholipase D1; minus strand), LOC129995978 (ATAC-STARR-seq lymphoblastoid silent region 16989; plus strand). Cytogenetic location: 6p22.3.
Variant type: single nucleotide variant.
Coding change: c.202C>T on transcript NM_001080.3 (MANE Select); coding-DNA position 202, C replaced by T.
Protein change: p.Arg68Cys; replaces arginine 68 with cysteine.
Molecular consequence: missense variant.
Genome position (GRCh38, 1-based): chr6:24,495,198, C>T. VCF-style: chr6-24495198-C-T. GRCh37 (hg19) VCF-style: chr6-24495426-C-T.
Other names: c.202C>T, p.Arg68Cys (NM_001368954.1, NM_170740.1); short protein forms R68C.
Identifiers: ClinVar variation 529478 (VCV000529478.6), dbSNP rs1336249565, ClinGen allele CA362968429.

ClinVar aggregate classification (germline): Uncertain significance (1 of 4 stars; one submission).

Conditions:
Succinate-semialdehyde dehydrogenase deficiency (SSADHD). Also called: GABA METABOLIC DEFECT; 4-HYDROXYBUTYRIC ACIDURIA; SSADH DEFICIENCY; Succinic Semialdehyde Dehydrogenase Deficiency. Identifiers: Orphanet 22, MedGen C0268631, MONDO:0010083, OMIM 271980.

Allele frequency attached by ClinVar (database versions not stated): gnomAD exomes below 0.00001; TOPMed below 0.00001; gnomAD 0.00001.
gnomAD v4.1: 5 of 1,505,552 alleles (0.00033%); highest among the groups gnomAD compares: Non-Finnish European, 0.00044%; no homozygotes.

Submission:

Labcorp Genetics (formerly Invitae), Labcorp
Classification: Uncertain significance for Succinate-semialdehyde dehydrogenase deficiency. Last evaluated: 2021-08-31. Review status: criteria provided, single submitter. Criteria: Invitae Variant Classification Sherloc (09022015). Collection method: clinical testing. Allele origin: germline.
Comment: This sequence change replaces arginine with cysteine at codon 68 of the ALDH5A1 protein (p.Arg68Cys). The arginine residue is moderately conserved and there is a large physicochemical difference between arginine and cysteine. The frequency data for this variant in the population databases is considered unreliable, as metrics indicate insufficient coverage at this position in the ExAC database. This variant has not been reported in the literature in individuals affected with ALDH5A1-related conditions. Algorithms developed to predict the effect of missense changes on protein structure and function are either unavailable or do not agree on the potential impact of this missense change (SIFT: "Deleterious"; PolyPhen-2: "Benign"; Align-GVGD: "Class C0"). In summary, the available evidence is currently insufficient to determine the role of this variant in disease. Therefore, it has been classified as a Variant of Uncertain Significance.